The following is an entry in ClinVar:

ClinVar aggregate classification (germline): Uncertain significance (1 of 4 stars; one submission).

Submission:

Labcorp Genetics (formerly Invitae), Labcorp
Classification: Uncertain significance. Last evaluated: 2024-01-19. Review status: criteria provided, single submitter. Criteria: Invitae Variant Classification Sherloc (09022015). Collection method: clinical testing. Allele origin: germline.
Comment: This variant, c.31_33dup, results in the insertion of 1 amino acid(s) of the MTOR protein (p.Thr11dup), but otherwise preserves the integrity of the reading frame. This variant is not present in population databases (gnomAD no frequency). This variant has not been reported in the literature in individuals affected with MTOR-related conditions. In summary, the available evidence is currently insufficient to determine the role of this variant in disease. Therefore, it has been classified as a Variant of Uncertain Significance.

NM_004958.4(MTOR):c.28ACC[3] (p.Thr11_Ala12insThr)

Gene: MTOR (mechanistic target of rapamycin kinase; minus strand). Cytogenetic location: 1p36.22.
Variant type: Microsatellite.
Coding change: c.28ACC[3] on transcript NM_004958.4 (MANE Select); three copies in a row of the 3-base unit ACC starting at c.28; the reference has two copies in a row; one copy, 3 bases duplicated.
Protein change: p.Thr11_Ala12insThr.
Molecular consequence: inframe insertion. On other transcripts: 5 prime UTR variant (1).
Genome position (GRCh38, 1-based): chr1:11,259,377-11,259,379, GGT duplicated on the plus strand (ACC on the coding strand, the reverse complement: MTOR is on the minus strand); duplicating any 3 consecutive bases within chr1:11,259,377-11,259,384 gives the same sequence; the position shown is the placement nearest the transcript's 3' end. VCF-style (leftmost placement, unchanged base first): chr1-11259376-C-CGGT. GRCh37 (hg19) VCF-style: chr1-11319433-C-CGGT.
Other names: c.28ACC[3], p.Thr11_Ala12insThr (NM_001386500.1); c.-1112ACC[3] (NM_001386501.1).
Identifiers: ClinVar variation 2732230 (VCV002732230.3), dbSNP rs1286276334, ClinGen allele CA885599883.
Genomic context (GRCh38, chr1:11,259,376, plus strand): 5'-GGCTCTTTAGGCCACTGGCAAACTGCTGCAGGACGCTCACATTGCTAGATGTGGTGGCAG[C>CGGT]GGTGGTGGCGGCGGCAGGTCCGGTTCCAAGCATCTTGCCCTGAGGTTCTTTAGAGAGAAG-3'